The following is an entry in ClinVar:

ClinVar aggregate classification (germline): Likely pathogenic. Review status: criteria provided, multiple submitters, no conflicts (2 of 4 stars). 4 submissions from 4 submitters: Likely pathogenic (4). Last evaluated 2025-12-28.

Conditions:
Autosomal recessive nonsyndromic hearing loss 30. Identifiers: Orphanet 90636, MedGen C1846784, MONDO:0011774, OMIM 607101.
Hearing loss, autosomal dominant 90. Also called: Deafness, autosomal dominant 90. Identifiers: MedGen C5935579, MONDO:0958232, OMIM 620722.

gnomAD v4.1: 13 of 1,613,766 alleles (0.00081%); highest among the groups gnomAD compares: East Asian, 0.018%; no homozygotes.

Submissions (4):

First Genomix Gene Laboratory, Genetic Diagnostics Department
Classification: Likely pathogenic for Autosomal recessive nonsyndromic hearing loss 30. Last evaluated: 2025-12-28. Review status: criteria provided, single submitter. Criteria: ACMG Guidelines, 2015. Collection method: clinical testing. Allele origin: germline. Inheritance: Autosomal recessive inheritance. Affected: no. Observed: 1 variant allele.

Institute of Rare Diseases, West China Hospital, Sichuan University
Classification: Likely pathogenic for Autosomal recessive nonsyndromic hearing loss 30. Last evaluated: 2025-01-09. Review status: criteria provided, single submitter. Criteria: ClinGen HL ACMG Specifications v1. Collection method: research. Allele origin: germline. Affected: yes.
Comment: PVS1;PM2_Supporting

Labcorp Genetics (formerly Invitae), Labcorp
Classification: Likely pathogenic. Last evaluated: 2024-05-22. Review status: criteria provided, single submitter. Criteria: Invitae Variant Classification Sherloc (09022015). Collection method: clinical testing. Allele origin: germline.
Comment: This sequence change affects an acceptor splice site in intron 25 of the MYO3A gene. It is expected to disrupt RNA splicing. Variants that disrupt the donor or acceptor splice site typically lead to a loss of protein function (PMID: 16199547), and loss-of-function variants in MYO3A are known to be pathogenic (PMID: 12032315, 23990876). This variant is present in population databases (rs200531358, gnomAD 0.04%). This variant has not been reported in the literature in individuals affected with MYO3A-related conditions. Algorithms developed to predict the effect of sequence changes on RNA splicing suggest that this variant may disrupt the consensus splice site. In summary, the currently available evidence indicates that the variant is pathogenic, but additional data are needed to prove that conclusively. Therefore, this variant has been classified as Likely Pathogenic.

Juno Genomics, Hangzhou Juno Genomics, Inc
Classification: Likely pathogenic for Autosomal recessive nonsyndromic hearing loss 30; Hearing loss, autosomal dominant 90. Review status: criteria provided, single submitter. Criteria: ACMG Guidelines, 2015. Collection method: clinical testing. Allele origin: germline.
Comment: Null variant in a gene where loss of function (LOF) is a known mechanism of disease.;Absent from controls (or at extremely low frequency if recessive) in Genome Aggregation Database.

Literature cited by the submitters: PubMed 16199547 (cited by Labcorp Genetics (formerly Invitae), Labcorp); PubMed 12032315 (cited by Labcorp Genetics (formerly Invitae), Labcorp); PubMed 23990876 (cited by Labcorp Genetics (formerly Invitae), Labcorp).

NM_017433.5(MYO3A):c.2794-1G>A

Gene: MYO3A (myosin IIIA; plus strand). Cytogenetic location: 10p12.1.
Variant type: single nucleotide variant.
Coding change: c.2794-1G>A on transcript NM_017433.5 (MANE Select); the canonical splice acceptor site of the intron before coding-DNA position 2794, G replaced by A.
Molecular consequence: splice acceptor variant.
Genome position (GRCh38, 1-based): chr10:26,157,309, G>A. VCF-style: chr10-26157309-G-A. GRCh37 (hg19) VCF-style: chr10-26446238-G-A.
Identifiers: ClinVar variation 3601436 (VCV003601436.6).